The following is an entry in ClinVar:

ClinVar aggregate classification (germline): Likely benign. Review status: criteria provided, single submitter (1 of 4 stars). 2 submissions from 2 submitters: Likely benign (1). 1 of the submissions does not count toward it. Last evaluated 2025-05-29.

Conditions:
H19-related disorder. Also called: H19-related condition.
Beckwith-Wiedemann syndrome (BWS). Also called: EMG SYNDROME; Exomphalos macroglossia gigantism syndrome. Identifiers: Orphanet 116, MedGen C0004903, MONDO:0007534, OMIM 130650.

Allele frequency attached by ClinVar (database versions not stated): 1000 Genomes Project 0.00100; gnomAD 0.00131.

Submissions (2):

PreventionGenetics, part of Exact Sciences
Classification: Likely benign for H19-related condition. Last evaluated: 2025-05-29. Review status: criteria provided, single submitter. Criteria: ACMG Guidelines, 2015. Collection method: clinical testing. Allele origin: germline.
Comment: This variant is classified as likely benign based on ACMG/AMP sequence variant interpretation guidelines (Richards et al. 2015 PMID: 25741868, with internal and published modifications).

UMR_S938_Pr. Le Bouc INSERM
No classification provided. Condition: Beckwith-Wiedemann syndrome. Review status: no classification provided. Collection method: not provided. Allele origin: unknown. Not counted in ClinVar's aggregate classification.

NC_000011.10:g.2001083G>A

Genes: H19 (H19 imprinted maternally expressed transcript; minus strand), H19-ICR (H19/IGF2 imprinting control region; plus strand), MRPL23 (mitochondrial ribosomal protein L23; plus strand). Cytogenetic location: 11p15.5.
Variant type: single nucleotide variant.
Genome position: GRCh38 VCF-style: chr11-2001083-G-A. GRCh37 (hg19) VCF-style: chr11-2022313-G-A.
Identifiers: ClinVar variation 96743 (VCV000096743.3), dbSNP rs431825164, ClinGen allele CA345686.